The following is an entry in ClinVar:

ClinVar aggregate classification (germline): Uncertain significance (1 of 4 stars; one submission).

Conditions:
Charcot-Marie-Tooth disease type 4. Also called: Charcot-Marie-Tooth disease, type IV; Charcot-Marie-Tooth, Type 4. Identifiers: Orphanet 64749, MedGen C4082197, MONDO:0018995.

Allele frequency attached by ClinVar (database versions not stated): TOPMed below 0.00001.

Submission:

Labcorp Genetics (formerly Invitae), Labcorp
Classification: Uncertain significance for Charcot-Marie-Tooth disease type 4. Last evaluated: 2021-06-11. Review status: criteria provided, single submitter. Criteria: Invitae Variant Classification Sherloc (09022015). Collection method: clinical testing. Allele origin: germline.
Comment: In summary, the available evidence is currently insufficient to determine the role of this variant in disease. Therefore, it has been classified as a Variant of Uncertain Significance. Nucleotide substitutions within the consensus splice site are a relatively common cause of aberrant splicing (PMID: 17576681, 9536098). Algorithms developed to predict the effect of sequence changes on RNA splicing suggest that this variant may disrupt the consensus splice site, but this prediction has not been confirmed by published transcriptional studies. This variant has not been reported in the literature in individuals with FIG4-related conditions. This variant is not present in population databases (ExAC no frequency). This sequence change falls in intron 19 of the FIG4 gene. It does not directly change the encoded amino acid sequence of the FIG4 protein. It affects a nucleotide within the consensus splice site of the intron.

Literature cited by the submitters: PubMed 17576681; PubMed 9536098.

NM_014845.6(FIG4):c.2180+3A>G

Gene: FIG4 (FIG4 phosphoinositide 5-phosphatase; plus strand). Cytogenetic location: 6q21.
Variant type: single nucleotide variant.
Coding change: c.2180+3A>G on transcript NM_014845.6 (MANE Select); 3 bases into the intron after coding-DNA position 2180, A replaced by G.
Molecular consequence: intron variant.
Genome position (GRCh38, 1-based): chr6:109,789,680, A>G. VCF-style: chr6-109789680-A-G. GRCh37 (hg19) VCF-style: chr6-110110883-A-G.
Identifiers: ClinVar variation 1360316 (VCV001360316.6), dbSNP rs1778084325, ClinGen allele CA2573140371.
Genomic context (GRCh38, chr6:109,789,680, plus strand): 5'-TTGATCCAAGTCCATTTACTGTGCGTAAACCAGATGAAACTGGAAAATCAGTATTGGGGT[A>G]AGATTTGTGTATAGAACGAAACTTTAAAGATTTGTGTAAAAGAATAGTACTTGCAATATG-3'